The following is an entry in ClinVar:

NM_000051.4(ATM):c.2472C>T (p.Ser824=)

Gene: ATM (ATM serine/threonine kinase; plus strand). Cytogenetic location: 11q22.3.
Variant type: single nucleotide variant.
Coding change: c.2472C>T on transcript NM_000051.4 (MANE Select); coding-DNA position 2472, C replaced by T.
Protein change: p.Ser824=; no amino-acid change (serine 824 retained).
Molecular consequence: synonymous variant.
Genome position (GRCh38, 1-based): chr11:108,267,176, C>T. VCF-style: chr11-108267176-C-T. GRCh37 (hg19) VCF-style: chr11-108137903-C-T.
Other names: c.2472C>T, p.Ser824= (NM_001351834.2).
Identifiers: ClinVar variation 186873 (VCV000186873.15), dbSNP rs786203289, ClinGen allele CA196103.

ClinVar aggregate classification (germline): Benign/Likely benign. Review status: criteria provided, multiple submitters, no conflicts (2 of 4 stars). 3 submissions from 3 submitters: Benign (1); Likely benign (2). Last evaluated 2024-05-09.

Conditions:
Hereditary cancer-predisposing syndrome. Also called: Hereditary Cancer Syndrome; Neoplastic Syndromes, Hereditary; Tumor predisposition; Hereditary neoplastic syndrome. Identifiers: Orphanet 140162, MedGen C0027672, MeSH D009386, MONDO:0015356.
Familial cancer of breast. Also called: BREAST CANCER, FAMILIAL; Hereditary breast cancer; hereditary breast carcinoma. Identifiers: Orphanet 227535, MedGen C0346153, MONDO:0016419, OMIM 114480. Disease mechanism: loss of function.
Ataxia-telangiectasia syndrome (AT). Also called: Ataxia-telangiectasia, complementation group D; AT, COMPLEMENTATION GROUP C; ATAXIA-TELANGIECTASIA, COMPLEMENTATION GROUP A; ATAXIA-TELANGIECTASIA, FRESNO VARIANT; Ataxia-telangiectasia; LOUIS-BAR SYNDROME. Identifiers: Orphanet 100, MedGen C0004135, MONDO:0008840, OMIM 208900.

Allele frequency attached by ClinVar (database versions not stated): gnomAD exomes below 0.00001; TOPMed below 0.00001.

Submissions (3):

Myriad Genetics, Inc.
Classification: Benign for Familial cancer of breast. Last evaluated: 2024-05-09. Review status: criteria provided, single submitter. Criteria: Myriad Autosomal Dominant, Autosomal Recessive and X-Linked Classification Criteria (2023). Collection method: clinical testing. Allele origin: unknown.
Comment: This variant is considered benign. This variant is a silent/synonymous amino acid change and it is not expected to impact splicing.

Labcorp Genetics (formerly Invitae), Labcorp
Classification: Likely benign for Ataxia-telangiectasia syndrome. Last evaluated: 2021-12-11. Review status: criteria provided, single submitter. Criteria: Invitae Variant Classification Sherloc (09022015). Collection method: clinical testing. Allele origin: germline.

Ambry Genetics
Classification: Likely benign for Hereditary cancer-predisposing syndrome. Last evaluated: 2014-10-27. Review status: criteria provided, single submitter. Criteria: Ambry Variant Classification Scheme 2023. Collection method: clinical testing. Allele origin: germline.